The following is an entry in ClinVar:

ClinVar aggregate classification (germline): Uncertain significance (1 of 4 stars; one submission).

Submission:

Dasa
Classification: Uncertain significance. Last evaluated: 2026-07-03. Review status: criteria provided, single submitter. Criteria: DASA Assertion Criteria. Collection method: clinical testing. Allele origin: germline.
Comment: NM_021072.4(HCN1):c.1219T>C (p.Tyr407His) is a missense variant that results in the substitution of tyrosine with histidine. This variant is rare in population databases. Computational prediction algorithms are consistent with a deleterious effect. The currently available literature and clinical evidence are not sufficient to establish a definitive association between this variant and the reported condition. Therefore, this variant is classified as a variant of uncertain significance.

NM_021072.4(HCN1):c.1219T>C (p.Tyr407His)

Gene: HCN1 (hyperpolarization activated cyclic nucleotide gated potassium channel 1; minus strand). Cytogenetic location: 5p12.
Variant type: single nucleotide variant.
Coding change: c.1219T>C on transcript NM_021072.4 (MANE Select); coding-DNA position 1219, T replaced by C.
Protein change: p.Tyr407His; replaces tyrosine 407 with histidine.
Molecular consequence: missense variant.
Genome position (GRCh38, 1-based): chr5:45,396,503, A>G on the plus strand (T>C on the coding strand, the complement: HCN1 is on the minus strand). VCF-style: chr5-45396503-A-G. GRCh37 (hg19) VCF-style: chr5-45396605-A-G.
Other names: short protein forms Y407H.
Identifiers: ClinVar variation 5020272 (VCV005020272.1).
Genomic context (GRCh38, chr5:45,396,503, plus strand): 5'-GGTTCAGGTTAGCTGGTTAAAGACATTGGCGATAAATAAAACAAATTACCTTCTCTTGAT[A>G]CTGCCGCCTCGAAGAATCCAGAGACTGGATTAAAGCGGTGGCATGGCCGACAAACATGGC-3'
Protein context (NP_066550.2, residues 397-417): IQSLDSSRRQ[Tyr407His]QEKYKQVEQY